The following is an entry in ClinVar:

NM_183235.3(RAB27A):c.550C>T (p.Arg184Ter)

Gene: RAB27A (RAB27A, member RAS oncogene family; minus strand). Cytogenetic location: 15q21.3.
Variant type: single nucleotide variant.
Coding change: c.550C>T on transcript NM_183235.3 (MANE Select); coding-DNA position 550, C replaced by T.
Protein change: p.Arg184Ter; replaces arginine 184 with a stop codon.
Molecular consequence: nonsense.
Genome position (GRCh38, 1-based): chr15:55,205,623, G>A on the plus strand (C>T on the coding strand, the complement: RAB27A is on the minus strand). VCF-style: chr15-55205623-G-A. GRCh37 (hg19) VCF-style: chr15-55497821-G-A.
Other names: 550C-T; c.550C>T, p.Arg184Ter (NM_004580.5, NM_183234.3, NM_183236.3); short protein forms R184*.
Identifiers: ClinVar variation 436458 (VCV000436458.62), dbSNP rs200956636, ClinGen allele CA7573534.
Genomic context (GRCh38, chr15:55,205,623, plus strand): 5'-GACCATTTGATCGCACCACTCCTTCAGGAATCCAGGACTTGTCCACACACCGTTCCATTC[G>A]CTTCATTATCAGGTCCAGAAGCATCTCAATTGCTTGGCTTATGTTTGTCCCATTGGCAGC-3'

ClinVar aggregate classification (germline): Pathogenic. Review status: criteria provided, multiple submitters, no conflicts (2 of 4 stars). 10 submissions from 10 submitters: Pathogenic (8). 2 of the submissions do not count toward it. Last evaluated 2025-07-09.

Conditions:
Griscelli syndrome type 2 (GS2). Also called: PAID SYNDROME; PARTIAL ALBINISM AND IMMUNODEFICIENCY SYNDROME; GRISCELLI SYNDROME WITH HEMOPHAGOCYTIC SYNDROME. Identifiers: Orphanet 381, Orphanet 79477, MedGen C1868679, MONDO:0011872, OMIM 607624.
RAB27A-related disorder. Also called: RAB27A-related condition.
Autoinflammatory syndrome. Identifiers: Orphanet 93665, MedGen C3890737, MONDO:0019751.

Allele frequency attached by ClinVar (database versions not stated): gnomAD exomes 0.00010 and 0.00007; gnomAD 0.00006; TOPMed 0.00006; ExAC 0.00007.
gnomAD v4.1: 162 of 1,613,920 alleles (0.01%); highest among the groups gnomAD compares: Non-Finnish European, 0.013%; no homozygotes.

Submissions (10):

GeneDx
Classification: Pathogenic. Last evaluated: 2025-07-09. Review status: criteria provided, single submitter. Criteria: GeneDx Variant Classification Process June 2021. Collection method: clinical testing. Allele origin: germline. Affected: yes.
Comment: Nonsense variant predicted to result in protein truncation, as the last 38 amino acid(s) are lost, and other loss-of-function variants have been reported downstream in HGMD; This variant is associated with the following publications: (PMID: 30971555, 18397837, 25071262, 19243575, 27980540, 25500851, 19953648, 10835631, 29522846, 30207398, 19403888, 19704116, 25801174, 25312756, 19030707, 15475639, 33225392, 32965739, 33365035, 32638196, 33217554)

Labcorp Genetics (formerly Invitae), Labcorp
Classification: Pathogenic for Griscelli syndrome type 2. Last evaluated: 2025-07-02. Review status: criteria provided, single submitter. Criteria: Invitae Variant Classification Sherloc (09022015). Collection method: clinical testing. Allele origin: germline.
Comment: This sequence change creates a premature translational stop signal (p.Arg184*) in the RAB27A gene. While this is not anticipated to result in nonsense mediated decay, it is expected to disrupt the last 38 amino acid(s) of the RAB27A protein. This variant is present in population databases (rs200956636, gnomAD 0.01%). This premature translational stop signal has been observed in individuals with Griscelli syndrome (PMID: 10835631, 15475639, 18397837, 19030707, 19953648, 25071262, 25500851). It has also been observed to segregate with disease in related individuals. ClinVar contains an entry for this variant (Variation ID: 436458). For these reasons, this variant has been classified as Pathogenic.

Blueprint Genetics
Classification: Pathogenic for RAB27A-related disorders. Last evaluated: 2024-09-30. Review status: criteria provided, single submitter. Criteria: ACMG Guidelines, 2015. Collection method: clinical testing. Allele origin: germline. Affected: yes. Observed: 5 variant alleles.

CeGaT Center for Human Genetics Tuebingen
Classification: Pathogenic. Last evaluated: 2018-11-01. Review status: criteria provided, single submitter. Criteria: CeGaT Center For Human Genetics Tuebingen Variant Classification Criteria Version 2. Collection method: clinical testing. Allele origin: germline. Affected: yes. Observed: 2 variant alleles.

Genome Diagnostics Laboratory, The Hospital for Sick Children
Classification: Pathogenic for Autoinflammatory syndrome. Last evaluated: 2016-12-12. Review status: criteria provided, single submitter. Criteria: ACMG Guidelines, 2015. Collection method: clinical testing. Allele origin: germline. Affected: yes.

Genetic Services Laboratory, University of Chicago
Classification: Pathogenic for Griscelli syndrome, type 2. Last evaluated: 2016-06-27. Review status: criteria provided, single submitter. Criteria: ACMG Guidelines, 2015. Collection method: clinical testing. Allele origin: germline. Affected: yes.

Kasturba Medical College, Manipal, Kasturba Medical College, Manipal, Manipal Academy of Higher Education, Manipal, India
Classification: Pathogenic for Griscelli syndrome type 2. Review status: criteria provided, single submitter. Criteria: ACMG Guidelines, 2015. Collection method: clinical testing. Allele origin: biparental. Inheritance: Autosomal recessive inheritance. Affected: yes. Observed: 1 homozygote.

Neuberg Centre For Genomic Medicine, NCGM
Classification: Pathogenic for Griscelli syndrome type 2. Review status: criteria provided, single submitter. Criteria: ACMG Guidelines, 2015. Collection method: clinical testing. Allele origin: germline. Inheritance: Autosomal recessive inheritance. Affected: yes.
Comment: This stop gained variant c.550C>T (p.Arg184Ter) has been reported in homozygous or in compound heterozygous state in individuals and families affected with Griscelli syndrome (Ariffin H et al), and has been shown to segregate with disease in two families (Meeths M et al). The c.550C>T variant is reported with the allele frequency of 0.006364% in gnomAD Exome and is novel (not in any individuals) in 1000 Genomes. This variant has been reported to the ClinVar database as Pathogenic. This sequence change results in a premature translational stop signal in the RAB27A gene (p.Arg184*). While this is not anticipated to result in nonsense mediated decay, it is expected to disrupt the last 38 amino acids of the RAB27A protein. The nucleotide change c.550C>T in RAB27A is predicted as conserved by GERP++ and PhyloP across 100 vertebrates. For these reasons, this variant has been classified as Pathogenic.

Foundation for Research in Genetics and Endocrinology, FRIGE's Institute of Human Genetics
Classification: Likely pathogenic for Griscelli syndrome type 2. Last evaluated: 2018-08-25. Review status: no assertion criteria provided. Collection method: clinical testing. Allele origin: germline. Inheritance: Autosomal recessive inheritance. Affected: yes. Observed: 1 homozygote. Not counted in ClinVar's aggregate classification.
Comment: The observed variant c.550C>T (p.Arg184Ter) has not been reported in 1000 Genomes database and has a minor allele frequency of 0.007% in the ExAC database. The in silico prediction of the given variant is damaging by MutationTaster2 and LRT.

OMIM
Classification: Pathogenic for GRISCELLI SYNDROME, TYPE 2. Last evaluated: 2000-06-01. Review status: no assertion criteria provided. Collection method: literature only. Allele origin: germline. Not counted in ClinVar's aggregate classification.

Literature cited by the submitters: PubMed 10835631 (cited by Labcorp Genetics (formerly Invitae), Labcorp and OMIM); PubMed 15475639 (cited by Labcorp Genetics (formerly Invitae), Labcorp); PubMed 18397837 (cited by Labcorp Genetics (formerly Invitae), Labcorp); PubMed 19030707 (cited by Labcorp Genetics (formerly Invitae), Labcorp); PubMed 19953648 (cited by Labcorp Genetics (formerly Invitae), Labcorp); PubMed 25071262 (cited by Labcorp Genetics (formerly Invitae), Labcorp); PubMed 25500851 (cited by Labcorp Genetics (formerly Invitae), Labcorp); DOI 10.1016/j.ymgme.2008.02.009 (cited by Kasturba Medical College, Manipal, Kasturba Medical College, Manipal, Manipal Academy of Higher Education, Manipal, India).